The following is an entry in ClinVar:

NM_006440.5(TXNRD2):c.247G>A (p.Gly83Ser)

Gene: TXNRD2 (thioredoxin reductase 2; minus strand). Cytogenetic location: 22q11.21.
Variant type: single nucleotide variant.
Coding change: c.247G>A on transcript NM_006440.5 (MANE Select); coding-DNA position 247, G replaced by A.
Protein change: p.Gly83Ser; replaces glycine 83 with serine.
Molecular consequence: missense variant. On other transcripts: 5 prime UTR variant (1), non-coding transcript variant (1).
Genome position (GRCh38, 1-based): chr22:19,918,987, C>T on the plus strand (G>A on the coding strand, the complement: TXNRD2 is on the minus strand). VCF-style: chr22-19918987-C-T. GRCh37 (hg19) VCF-style: chr22-19906510-C-T.
Other names: c.247G>A, p.Gly83Ser (NM_001282512.3); c.244G>A, p.Gly82Ser (NM_001352300.2); c.157G>A, p.Gly53Ser (NM_001352301.2); c.-42G>A (NM_001352302.2); c.151G>A, p.Gly51Ser (NM_001352303.2); short protein forms G53S, G51S, G83S, G82S.
Identifiers: ClinVar variation 2741390 (VCV002741390.4), dbSNP rs202091972, ClinGen allele CA10104279.
Genomic context (GRCh38, chr22:19,918,987, plus strand): 5'-GCAGTGCCGCCTGGTGCATCAGCTTCTTGGGGATGCAGCCCACGTTGACGCAGGTGCCGC[C>T]GAGGCCCCACCGGGTGCCTGGGACGTGGGAAGAGCACATTTGAATTTATGTTCAGGTGAC-3'
Protein context (NP_006431.2, residues 73-93): PSPQGTRWGL[Gly83Ser]GTCVNVGCIP

ClinVar aggregate classification (germline): Uncertain significance. Review status: criteria provided, multiple submitters, no conflicts (2 of 4 stars). 2 submissions from 2 submitters: Uncertain significance (2). Last evaluated 2025-08-06.

Conditions:
Cardiovascular phenotype. Identifiers: MedGen CN230736.
Primary dilated cardiomyopathy (DCM). Also called: Dilated Cardiomyopathy. Identifiers: Orphanet 217604, MedGen C0007193, MeSH D002311, MONDO:0005021, HP:0001644. Inheritance: Various modes of inheritance.

Allele frequency attached by ClinVar (database versions not stated): gnomAD exomes 0.00001; TOPMed 0.00002; ExAC 0.00003.
gnomAD v4.1: 9 of 1,611,064 alleles (0.00056%); highest among the groups gnomAD compares: South Asian, 0.0033%; no homozygotes.

Submissions (2):

Ambry Genetics
Classification: Uncertain significance for Cardiovascular phenotype. Last evaluated: 2025-08-06. Review status: criteria provided, single submitter. Criteria: Ambry Variant Classification Scheme 2023. Collection method: clinical testing. Allele origin: germline.
Comment: The p.G83S variant (also known as c.247G>A), located in coding exon 4 of the TXNRD2 gene, results from a G to A substitution at nucleotide position 247. The glycine at codon 83 is replaced by serine, an amino acid with similar properties. This amino acid position is conserved. In addition, this alteration is predicted to be deleterious by in silico analysis. Based on the available evidence, the clinical significance of this variant remains unclear.

Labcorp Genetics (formerly Invitae), Labcorp
Classification: Uncertain significance for Primary dilated cardiomyopathy. Last evaluated: 2024-01-22. Review status: criteria provided, single submitter. Criteria: Invitae Variant Classification Sherloc (09022015). Collection method: clinical testing. Allele origin: germline.
Comment: This sequence change replaces glycine, which is neutral and non-polar, with serine, which is neutral and polar, at codon 83 of the TXNRD2 protein (p.Gly83Ser). This variant is present in population databases (rs202091972, gnomAD 0.003%). This variant has not been reported in the literature in individuals affected with TXNRD2-related conditions. Advanced modeling of protein sequence and biophysical properties (such as structural, functional, and spatial information, amino acid conservation, physicochemical variation, residue mobility, and thermodynamic stability) performed at Invitae indicates that this missense variant is expected to disrupt TXNRD2 protein function with a positive predictive value of 80%. In summary, the available evidence is currently insufficient to determine the role of this variant in disease. Therefore, it has been classified as a Variant of Uncertain Significance.